The following is an entry in ClinVar:

ClinVar aggregate classification (germline): Likely pathogenic (1 of 4 stars; one submission).

Conditions:
RYR1-related disorder. Also called: RYR1-related condition; RYR1-related disorders. Identifiers: MedGen CN239331.

gnomAD v4.1: 1 of 1,614,168 alleles (0.000062%); highest among the groups gnomAD compares: Non-Finnish European, 0.000085%; no homozygotes.

Submission:

Labcorp Genetics (formerly Invitae), Labcorp
Classification: Likely pathogenic for RYR1-related disorder. Last evaluated: 2023-10-10. Review status: criteria provided, single submitter. Criteria: Invitae Variant Classification Sherloc (09022015). Collection method: clinical testing. Allele origin: germline.
Comment: This sequence change replaces arginine, which is basic and polar, with leucine, which is neutral and non-polar, at codon 3903 of the RYR1 protein (p.Arg3903Leu). This variant is not present in population databases (gnomAD no frequency). This variant has not been reported in the literature in individuals affected with RYR1-related conditions. Advanced modeling of protein sequence and biophysical properties (such as structural, functional, and spatial information, amino acid conservation, physicochemical variation, residue mobility, and thermodynamic stability) performed at Invitae indicates that this missense variant is expected to disrupt RYR1 protein function. This variant disrupts the p.Arg3903 amino acid residue in RYR1. Other variant(s) that disrupt this residue have been determined to be pathogenic (PMID: 16835904, 30236257, 30611313). This suggests that this residue is clinically significant, and that variants that disrupt this residue are likely to be disease-causing. In summary, the currently available evidence indicates that the variant is pathogenic, but additional data are needed to prove that conclusively. Therefore, this variant has been classified as Likely Pathogenic.

Literature cited by the submitters: PubMed 16835904; PubMed 30236257; PubMed 30611313.

NM_000540.3(RYR1):c.11708G>T (p.Arg3903Leu)

Gene: RYR1 (ryanodine receptor 1; plus strand). Cytogenetic location: 19q13.2.
Variant type: single nucleotide variant.
Coding change: c.11708G>T on transcript NM_000540.3 (MANE Select); coding-DNA position 11708, G replaced by T.
Protein change: p.Arg3903Leu; replaces arginine 3903 with leucine.
Molecular consequence: missense variant.
Genome position (GRCh38, 1-based): chr19:38,543,365, G>T. VCF-style: chr19-38543365-G-T. GRCh37 (hg19) VCF-style: chr19-39034005-G-T.
Other names: c.11693G>T, p.Arg3898Leu (NM_001042723.2); short protein forms R3903L, R3898L.
Identifiers: ClinVar variation 2901490 (VCV002901490.3), dbSNP rs148399313, ClinGen allele CA405661143.